The following is an entry in ClinVar:

NM_000268.4(NF2):c.1455C>T (p.Asn485=)

Gene: NF2 (NF2, moesin-ezrin-radixin like (MERLIN) tumor suppressor; plus strand). Cytogenetic location: 22q12.2.
Variant type: single nucleotide variant.
Coding change: c.1455C>T on transcript NM_000268.4 (MANE Select); coding-DNA position 1455, C replaced by T.
Protein change: p.Asn485=; no amino-acid change (asparagine 485 retained).
Molecular consequence: synonymous variant. On other transcripts: non-coding transcript variant (1), intron variant (1).
Genome position (GRCh38, 1-based): chr22:29,678,204, C>T. VCF-style: chr22-29678204-C-T. GRCh37 (hg19) VCF-style: chr22-30074193-C-T.
Other names: c.1455C>T, p.Asn485= (NM_016418.5, NM_181825.3, NM_181832.3); c.1329C>T, p.Asn443= (NM_181828.3); c.1332C>T, p.Asn444= (NM_181829.3); c.1206C>T, p.Asn402= (NM_181830.3, NM_181831.3); c.448-16548C>T (NM_181833.3).
Identifiers: ClinVar variation 701725 (VCV000701725.15), dbSNP rs368966931, ClinGen allele CA031702.
Genomic context (GRCh38, chr22:29,678,204, plus strand): 5'-CCTTCTGTGCTTGTATGACCCAAGCTCCTAATCCGAAATTTCTCATTAACAGCCCATGAA[C>T]CCAATTCCAGCACCGTTGCCTCCTGACATACCAAGCTTCAACCTCATTGGTGACAGCCTG-3'
Protein context (NP_000259.1, residues 475-495): IATKPTYPPM[Asn485=]PIPAPLPPDI

ClinVar aggregate classification (germline): Likely benign. Review status: criteria provided, multiple submitters, no conflicts (2 of 4 stars). 4 submissions from 4 submitters: Likely benign (4). Last evaluated 2026-01-31.

Conditions:
Neurofibromatosis, type 2 (SWNV). Also called: NF2-Related Schwannomatosis; SCHWANNOMATOSIS, VESTIBULAR; BILATERAL ACOUSTIC NEUROFIBROMATOSIS. Identifiers: Orphanet 637, MedGen C0027832, MONDO:0007039, OMIM 101000. Disease mechanism: loss of function.
Hereditary cancer-predisposing syndrome. Also called: Neoplastic Syndromes, Hereditary; Hereditary neoplastic syndrome; Hereditary Cancer Syndrome; Tumor predisposition. Identifiers: Orphanet 140162, MedGen C0027672, MeSH D009386, MONDO:0015356.

Allele frequency attached by ClinVar (database versions not stated): gnomAD exomes below 0.00001; ExAC 0.00002; gnomAD 0.00005 and 0.00006; TOPMed 0.00006; ESP Exome Variant Server 0.00008.
gnomAD v4.1: 10 of 1,613,956 alleles (0.00062%); highest among the groups gnomAD compares: African/African-American, 0.012%; no homozygotes.

Submissions (4):

Labcorp Genetics (formerly Invitae), Labcorp
Classification: Likely benign for Neurofibromatosis, type 2. Last evaluated: 2026-01-31. Review status: criteria provided, single submitter. Criteria: Invitae Variant Classification Sherloc (09022015). Collection method: clinical testing. Allele origin: germline.

All of Us Research Program, National Institutes of Health
Classification: Likely benign for Neurofibromatosis, type 2. Last evaluated: 2024-02-05. Review status: criteria provided, single submitter. Criteria: ACMG Guidelines, 2015. Collection method: clinical testing. Allele origin: germline. Inheritance: Autosomal dominant inheritance. Observed: 2 variant alleles, 2 heterozygotes.
Comment: This variant is located in the NF2 protein. To our knowledge, functional studies have not been reported for this variant. This variant has not been reported in individuals affected with NF2-related disorders in the literature. This variant has been identified in 2/282898 chromosomes in the general population by the Genome Aggregation Database (gnomAD). The available evidence is insufficient to determine the role of this variant in disease conclusively. Therefore, this variant is classified as a Variant of Uncertain Significance.

This study involves interpretation of variants in research participants for the purpose of population health screening. Participant phenotype was not available at the time of variant classification. Additional details can be found in publication PMID: 35346344, PMCID: PMC8962531

Blueprint Genetics
Classification: Likely benign. Last evaluated: 2023-09-14. Review status: criteria provided, single submitter. Criteria: ACMG Guidelines, 2015. Collection method: clinical testing. Allele origin: germline.

Ambry Genetics
Classification: Likely benign for Hereditary cancer-predisposing syndrome. Last evaluated: 2020-02-20. Review status: criteria provided, single submitter. Criteria: Ambry Variant Classification Scheme 2023. Collection method: clinical testing. Allele origin: germline.